The following is an entry in ClinVar:

ClinVar aggregate classification (germline): Pathogenic/Likely pathogenic. Review status: criteria provided, multiple submitters, no conflicts (2 of 4 stars). 9 submissions from 9 submitters: Pathogenic (6); Likely pathogenic (2). 1 of the submissions does not count toward it. Last evaluated 2024-10-28.

Conditions:
CFTR-related disorder (CFTR-RD). Also called: CFTR-related disorders; CFTR-related condition. Identifiers: MedGen C5924204, MONDO:7770004.
Cystic fibrosis (CF). Also called: MUCOVISCIDOSIS. Identifiers: Orphanet 586, MedGen C0010674, MONDO:0009061, OMIM 219700. Disease mechanism: loss of function.
Bronchiectasis with or without elevated sweat chloride 1 (BESC1). Also called: Cystic Fibrosis-Like Syndrome. Identifiers: Orphanet 60033, MedGen C2749757, MONDO:0008887, OMIM 211400.

Submissions (9):

Women's Health and Genetics/Laboratory Corporation of America, LabCorp
Classification: Pathogenic for Cystic fibrosis. Last evaluated: 2024-10-28. Review status: criteria provided, single submitter. Criteria: LabCorp Variant Classification Summary - May 2015. Collection method: clinical testing. Allele origin: germline.
Comment: Variant summary: CFTR c.416A>T (p.His139Leu) results in a non-conservative amino acid change located in the ABC transporter type 1, transmembrane domain (IPR011527) of the encoded protein sequence. Five of five in-silico tools predict a damaging effect of the variant on protein function. The variant was absent in 250688 control chromosomes. c.416A>T has been reported in the literature in multiple individuals affected with Cystic Fibrosis (e.g. Banjar_1999, Banjar_2020. These data indicate that the variant is very likely to be associated with disease. At least one publication reports experimental evidence evaluating an impact on protein function. The most pronounced variant effect resulted in approximately 1% of normal chloride channel conductance relative to wild type (e.g., Bihler_2024). The following publications have been ascertained in the context of this evaluation (PMID: 10605524, 32026723, 38388235). ClinVar contains an entry for this variant (Variation ID: 53910). Based on the evidence outlined above, the variant was classified as pathogenic.

Natera, Inc.
Classification: Pathogenic for CFTR-related disorders. Last evaluated: 2024-05-31. Review status: criteria provided, single submitter. Criteria: Natera Variant Classification Schema (03/2026). Collection method: clinical testing. Allele origin: germline.
Comment: The c.416A>T variant in CFTR is a missense variant predicted to cause substitution of histidine to leucine at amino acid 139. This variant is rare in the general population with a frequency below the threshold expected for the associated phenotype(s). This variant has been observed in one or more individuals affected with the associated recessive disease, as either homozygous or compound heterozygous with a second variant (PMID: 32026723, 10834512, 12521276). A different variant at the same position has been determined to be Pathogenic or Likely Pathogenic. Computational prediction algorithms indicate this variant is likely to affect gene or protein function. Given the available evidence, this variant is classified as Pathogenic.

Genomic Medicine Center of Excellence, King Faisal Specialist Hospital and Research Centre
Classification: Pathogenic for Cystic fibrosis. Last evaluated: 2024-03-17. Review status: criteria provided, single submitter. Criteria: ACMG Guidelines, 2015. Collection method: research. Allele origin: germline.

Quest Diagnostics Nichols Institute San Juan Capistrano
Classification: Pathogenic. Last evaluated: 2022-08-15. Review status: criteria provided, single submitter. Criteria: Quest Diagnostics criteria. Collection method: clinical testing. Allele origin: unknown.
Comment: The CFTR c.416A>T (p.His139Leu) variant has not been reported in large, multi-ethnic general populations. In the published literature, the variant has been reported in multiple compound heterozygous and homozygous individuals with classic CF (PMIDs: 32026723 (2020), 28546993 (2017), 15463866 (2003), 10834512 (2000), 10605524 (1999)). A retrospective study reported the variant as a common CF mutation in the Saudi population (PMID: 32026723 (2020). Analysis of this variant using bioinformatics tools for the prediction of the effect of amino acid changes on protein structure and function yielded predictions that this variant is damaging. Based on the available information, this variant is classified as pathogenic.

Labcorp Genetics (formerly Invitae), Labcorp
Classification: Pathogenic for Cystic fibrosis. Last evaluated: 2022-07-12. Review status: criteria provided, single submitter. Criteria: Invitae Variant Classification Sherloc (09022015). Collection method: clinical testing. Allele origin: germline.
Comment: For these reasons, this variant has been classified as Pathogenic. This sequence change replaces histidine, which is basic and polar, with leucine, which is neutral and non-polar, at codon 139 of the CFTR protein (p.His139Leu). This variant is not present in population databases (gnomAD no frequency). This missense change has been observed in individual(s) with cystic fibrosis (PMID: 10605524, 10834512, 28546993). ClinVar contains an entry for this variant (Variation ID: 53910). Algorithms developed to predict the effect of missense changes on protein structure and function are either unavailable or do not agree on the potential impact of this missense change (SIFT: "Deleterious"; PolyPhen-2: "Possibly Damaging"; Align-GVGD: "Class C0").

Baylor Genetics
Classification: Pathogenic for Bronchiectasis with or without elevated sweat chloride 1. Last evaluated: 2022-04-21. Review status: criteria provided, single submitter. Criteria: ACMG Guidelines, 2015. Collection method: clinical testing. Allele origin: unknown.

Genome-Nilou Lab
Classification: Likely pathogenic for Cystic fibrosis. Last evaluated: 2021-07-22. Review status: criteria provided, single submitter. Criteria: ACMG Guidelines, 2015. Collection method: clinical testing. Allele origin: germline. Affected: no.

Ambry Genetics
Classification: Likely pathogenic for Cystic fibrosis. Last evaluated: 2015-09-04. Review status: criteria provided, single submitter. Criteria: Ambry Variant Classification Scheme 2023. Collection method: clinical testing. Allele origin: germline.
Comment: The p.H139L variant (also known as c.416A>T and 548A>T), located in coding exon 4 of the CFTR gene, results from an A to T substitution at nucleotide position 416. The histidine at codon 139 is replaced by leucine, an amino acid with similar properties. In a Saudi Arabian cohort, three CF patients with pulmonary disease and pancreatic insufficiency were determined to be homozygous for this alteration (Banjar H, Ann Trop Paediatr 1999 Mar; 19(1):69-73). In another study, this variant was reportedly detected in trans with the CFTR p.S549R pathogenic mutation and was not detected in 200 control chromosomes (Kambouris M, Eur. J. Pediatr. 2000 May; 159(5):303-9). This amino acid position is well conserved in available vertebrate species. In addition, this alteration is predicted to be deleterious by in silico analysis. Based on the majority of available evidence to date, this variant is likely to be pathogenic.

ClinVar Staff, National Center for Biotechnology Information (NCBI)
No classification provided. Condition: CFTR-related disorders. Review status: no classification provided. Collection method: literature only. Allele origin: germline. Affected: yes. Not counted in ClinVar's aggregate classification.

Literature cited by the submitters: PubMed 32026723 (cited by 3 submitters); PubMed 38388235 (cited by Women's Health and Genetics/Laboratory Corporation of America, LabCorp); PubMed 10605524 (cited by 4 submitters); PubMed 10834512 (cited by 4 submitters); PubMed 12521276 (cited by Natera, Inc.); PubMed 18456578 (cited by Quest Diagnostics Nichols Institute San Juan Capistrano and ClinVar Staff, National Center for Biotechnology Information (NCBI)); PubMed 26436105 (cited by Quest Diagnostics Nichols Institute San Juan Capistrano); PubMed 15463866 (cited by Quest Diagnostics Nichols Institute San Juan Capistrano); PubMed 28546993 (cited by Quest Diagnostics Nichols Institute San Juan Capistrano and Labcorp Genetics (formerly Invitae), Labcorp).

NM_000492.4(CFTR):c.416A>T (p.His139Leu)

Gene: CFTR (CF transmembrane conductance regulator; plus strand). Cytogenetic location: 7q31.2.
Variant type: single nucleotide variant.
Coding change: c.416A>T on transcript NM_000492.4 (MANE Select); coding-DNA position 416, A replaced by T.
Protein change: p.His139Leu; replaces histidine 139 with leucine.
Molecular consequence: missense variant.
Genome position (GRCh38, 1-based): chr7:117,531,041, A>T. VCF-style: chr7-117531041-A-T. GRCh37 (hg19) VCF-style: chr7-117171095-A-T.
Other names: short protein forms H139L.
Identifiers: ClinVar variation 53910 (VCV000053910.23), dbSNP rs76371115, ClinGen allele CA327435.